The following is an entry in ClinVar:

ClinVar aggregate classification (germline): Uncertain significance (1 of 4 stars; one submission).

Conditions:
Adenylosuccinate lyase deficiency (ADSLD). Also called: ADSL DEFICIENCY. Identifiers: Orphanet 46, MedGen C0268126, MONDO:0007068, OMIM 103050.

Submission:

Labcorp Genetics (formerly Invitae), Labcorp
Classification: Uncertain significance for Adenylosuccinate lyase deficiency. Last evaluated: 2022-08-20. Review status: criteria provided, single submitter. Criteria: Invitae Variant Classification Sherloc (09022015). Collection method: clinical testing. Allele origin: germline.
Comment: This sequence change replaces lysine, which is basic and polar, with threonine, which is neutral and polar, at codon 66 of the ADSL protein (p.Lys66Thr). This variant is not present in population databases (gnomAD no frequency). This variant has not been reported in the literature in individuals affected with ADSL-related conditions. Advanced modeling of protein sequence and biophysical properties (such as structural, functional, and spatial information, amino acid conservation, physicochemical variation, residue mobility, and thermodynamic stability) performed at Invitae indicates that this missense variant is not expected to disrupt ADSL protein function. In summary, the available evidence is currently insufficient to determine the role of this variant in disease. Therefore, it has been classified as a Variant of Uncertain Significance.

NM_000026.4(ADSL):c.197A>C (p.Lys66Thr)

Gene: ADSL (adenylosuccinate lyase; plus strand). Cytogenetic location: 22q13.1.
Variant type: single nucleotide variant.
Coding change: c.197A>C on transcript NM_000026.4 (MANE Select); coding-DNA position 197, A replaced by C.
Protein change: p.Lys66Thr; replaces lysine 66 with threonine.
Molecular consequence: missense variant. On other transcripts: non-coding transcript variant (1).
Genome position (GRCh38, 1-based): chr22:40,349,875, A>C. VCF-style: chr22-40349875-A-C. GRCh37 (hg19) VCF-style: chr22-40745879-A-C.
Other names: c.197A>C, p.Lys66Thr (NM_001123378.3, NM_001363840.3, NM_001410812.1 and 2 more transcripts); c.5A>C, p.Lys2Thr (NM_001317923.2); short protein forms K2T, K66T.
Identifiers: ClinVar variation 1717153 (VCV001717153.3), dbSNP rs796052251, ClinGen allele CA411634270.
Genomic context (GRCh38, chr22:40,349,875, plus strand): 5'-TTTTGCCTATTCTGCAGACATTGGGTTTGCCTATCACAGATGAACAAATCCAGGAGATGA[A>C]ATCAAACCTGGAGAACATCGACTTCAAGATGGCAGCTGAGGAAGAGAAACGTTTACGACA-3'
Protein context (NP_000017.1, residues 56-76): PITDEQIQEM[Lys66Thr]SNLENIDFKM